The following is an entry in ClinVar:

ClinVar aggregate classification (germline): Uncertain significance. Review status: criteria provided, multiple submitters, no conflicts (2 of 4 stars). 2 submissions from 2 submitters: Uncertain significance (2). Last evaluated 2024-01-25.

Conditions:
Loeys-Dietz syndrome 4 (LDS4). Also called: ANEURYSM, AORTIC AND CEREBRAL, WITH ARTERIAL TORTUOSITY AND SKELETAL MANIFESTATIONS; TGFB2-Related Loeys-Dietz Syndrome. Identifiers: MedGen C3553762, MONDO:0013897, OMIM 614816.
Familial thoracic aortic aneurysm and aortic dissection (TAAD). Also called: Thoracic aortic aneurysms and dissections. Identifiers: Orphanet 91387, MedGen C4707243, MONDO:0019625.

gnomAD v4.1: 5 of 1,609,182 alleles (0.00031%); highest among the groups gnomAD compares: Admixed American, 0.0051%; no homozygotes.

Submissions (2):

Labcorp Genetics (formerly Invitae), Labcorp
Classification: Uncertain significance for Loeys-Dietz syndrome 4. Last evaluated: 2024-01-25. Review status: criteria provided, single submitter. Criteria: Invitae Variant Classification Sherloc (09022015). Collection method: clinical testing. Allele origin: germline.
Comment: This sequence change replaces alanine, which is neutral and non-polar, with glutamic acid, which is acidic and polar, at codon 306 of the TGFB2 protein (p.Ala306Glu). The frequency data for this variant in the population databases is considered unreliable, as metrics indicate poor data quality at this position in the gnomAD database. This variant has not been reported in the literature in individuals affected with TGFB2-related conditions. ClinVar contains an entry for this variant (Variation ID: 1371848). Advanced modeling of protein sequence and biophysical properties (such as structural, functional, and spatial information, amino acid conservation, physicochemical variation, residue mobility, and thermodynamic stability) performed at Invitae indicates that this missense variant is not expected to disrupt TGFB2 protein function with a negative predictive value of 80%. In summary, the available evidence is currently insufficient to determine the role of this variant in disease. Therefore, it has been classified as a Variant of Uncertain Significance.

Ambry Genetics
Classification: Uncertain significance for Familial thoracic aortic aneurysm and aortic dissection. Last evaluated: 2023-09-15. Review status: criteria provided, single submitter. Criteria: Ambry Variant Classification Scheme 2023. Collection method: clinical testing. Allele origin: germline.
Comment: The p.A306E variant (also known as c.917C>A), located in coding exon 5 of the TGFB2 gene, results from a C to A substitution at nucleotide position 917. The alanine at codon 306 is replaced by glutamic acid, an amino acid with dissimilar properties. This amino acid position is conserved. In addition, this alteration is predicted to be tolerated by in silico analysis. Since supporting evidence is limited at this time, the clinical significance of this alteration remains unclear.

NM_003238.6(TGFB2):c.917C>A (p.Ala306Glu)

Gene: TGFB2 (transforming growth factor beta 2; plus strand). Cytogenetic location: 1q41.
Variant type: single nucleotide variant.
Coding change: c.917C>A on transcript NM_003238.6 (MANE Select); coding-DNA position 917, C replaced by A.
Protein change: p.Ala306Glu; replaces alanine 306 with glutamic acid.
Molecular consequence: missense variant. On other transcripts: non-coding transcript variant (2).
Genome position (GRCh38, 1-based): chr1:218,436,132, C>A. VCF-style: chr1-218436132-C-A. GRCh37 (hg19) VCF-style: chr1-218609474-C-A.
Other names: c.917C>A (NM_003238.3); c.1001C>A, p.Ala334Glu (NM_001135599.4); short protein forms A334E, A306E.
Identifiers: ClinVar variation 1371848 (VCV001371848.9), dbSNP rs989462091, ClinGen allele CA344727342.
Genomic context (GRCh38, chr1:218,436,132, plus strand): 5'-TGCCCTCCTACAGACTTGAGTCACAACAGACCAACCGGCGGAAGAAGCGTGCTTTGGATG[C>A]GGCCTATTGCTTTAGGTAAAGGAAAGAAAAGTAAAACCAAGTAATTGCATCTGTTAACTC-3'
Protein context (NP_003229.1, residues 296-316): TNRRKKRALD[Ala306Glu]AYCFRNVQDN